The following is an entry in ClinVar:

ClinVar aggregate classification (germline): Likely benign (1 of 4 stars; one submission).

Submission:

CeGaT Center for Human Genetics Tuebingen
Classification: Likely benign. Last evaluated: 2023-02-01. Review status: criteria provided, single submitter. Criteria: CeGaT Center For Human Genetics Tuebingen Variant Classification Criteria Version 2. Collection method: clinical testing. Allele origin: germline. Affected: yes. Observed: 1 variant allele.
Comment: ZNF711: PM2:Supporting, BP4, BP7

NM_001330574.2(ZNF711):c.1821A>G (p.Pro607=)

Gene: ZNF711 (ZFX family zinc finger ZNF711; plus strand). Cytogenetic location: Xq21.1.
Variant type: single nucleotide variant.
Coding change: c.1821A>G on transcript NM_001330574.2 (MANE Select); coding-DNA position 1821, A replaced by G.
Protein change: p.Pro607=; no amino-acid change (proline 607 retained).
Molecular consequence: synonymous variant.
Genome position (GRCh38, 1-based): chrX:85,271,225, A>G. VCF-style: chrX-85271225-A-G. GRCh37 (hg19) VCF-style: chrX-84526231-A-G.
Other names: c.1821A>G, p.Pro607= (NM_001375431.1, NM_001375432.1, NM_001375433.1); c.1683A>G, p.Pro561= (NM_001375434.1, NM_001375435.1, NM_001375436.1 and 2 more transcripts).
Identifiers: ClinVar variation 2661003 (VCV002661003.24), dbSNP rs2520410212, ClinGen allele CA517517131.